The following is an entry in ClinVar:

NM_001854.4(COL11A1):c.4518+5G>T

Gene: COL11A1 (collagen type XI alpha 1 chain; minus strand). Cytogenetic location: 1p21.1.
Variant type: single nucleotide variant.
Coding change: c.4518+5G>T on transcript NM_001854.4 (MANE Select); 5 bases into the intron after coding-DNA position 4518, G replaced by T.
Molecular consequence: intron variant.
Genome position (GRCh38, 1-based): chr1:102,888,861, C>A on the plus strand (G>T on the coding strand, the complement: COL11A1 is on the minus strand). VCF-style: chr1-102888861-C-A. GRCh37 (hg19) VCF-style: chr1-103354417-C-A.
Other names: c.4401+5G>T (NM_001190709.2); c.4554+5G>T (NM_080629.3); c.4170+5G>T (NM_080630.4).
Identifiers: ClinVar variation 2103880 (VCV002103880.4), dbSNP rs2100853342, ClinGen allele CA2580060713.

ClinVar aggregate classification (germline): Uncertain significance (1 of 4 stars; one submission).

Submission:

Labcorp Genetics (formerly Invitae), Labcorp
Classification: Uncertain significance. Last evaluated: 2022-04-28. Review status: criteria provided, single submitter. Criteria: Invitae Variant Classification Sherloc (09022015). Collection method: clinical testing. Allele origin: germline.
Comment: In summary, the available evidence is currently insufficient to determine the role of this variant in disease. Therefore, it has been classified as a Variant of Uncertain Significance. Variants that disrupt the consensus splice site are a relatively common cause of aberrant splicing (PMID: 17576681, 9536098). Algorithms developed to predict the effect of sequence changes on RNA splicing suggest that this variant may disrupt the consensus splice site. This variant has not been reported in the literature in individuals affected with COL11A1-related conditions. This variant is not present in population databases (gnomAD no frequency). This sequence change falls in intron 60 of the COL11A1 gene. It does not directly change the encoded amino acid sequence of the COL11A1 protein. It affects a nucleotide within the consensus splice site.

Literature cited by the submitters: PubMed 17576681; PubMed 9536098.